The following is an entry in ClinVar:

NM_005676.5(RBM10):c.253C>A (p.Arg85=)

Gene: RBM10 (RNA binding motif protein 10; plus strand). Cytogenetic location: Xp11.3.
Variant type: single nucleotide variant.
Coding change: c.253C>A on transcript NM_005676.5 (MANE Select); coding-DNA position 253, C replaced by A.
Protein change: p.Arg85=; no amino-acid change (arginine 85 retained).
Molecular consequence: synonymous variant. On other transcripts: intron variant (2).
Genome position (GRCh38, 1-based): chrX:47,171,079, C>A. VCF-style: chrX-47171079-C-A. GRCh37 (hg19) VCF-style: chrX-47030478-C-A.
Other names: c.253C>A, p.Arg85= (NM_001204467.2); c.448C>A, p.Arg150= (NM_001204468.2); c.201+1581C>A (NM_001204466.2, NM_152856.3).
Identifiers: ClinVar variation 3048944 (VCV003048944.3), dbSNP rs782600932, ClinGen allele CA10395079.

ClinVar aggregate classification (germline): Likely benign. Review status: criteria provided, single submitter (1 of 4 stars). 2 submissions from 2 submitters: Likely benign (1). 1 of the submissions does not count toward it. Last evaluated 2025-12-08.

Conditions:
RBM10-related disorder. Also called: RBM10-related condition.

Allele frequency attached by ClinVar (database versions not stated): gnomAD 0.00001; TOPMed 0.00003.
gnomAD v4.1: 10 of 1,208,666 alleles (0.00083%); highest among the groups gnomAD compares: South Asian, 0.0035%; no homozygotes.

Submissions (2):

Labcorp Genetics (formerly Invitae), Labcorp
Classification: Likely benign. Last evaluated: 2025-12-08. Review status: criteria provided, single submitter. Criteria: Invitae Variant Classification Sherloc (09022015). Collection method: clinical testing. Allele origin: germline.

PreventionGenetics, part of Exact Sciences
Classification: Likely benign for RBM10-related condition. Last evaluated: 2019-12-09. Review status: no assertion criteria provided. Collection method: clinical testing. Allele origin: germline. Not counted in ClinVar's aggregate classification.
Comment: This variant is classified as likely benign based on ACMG/AMP sequence variant interpretation guidelines (Richards et al. 2015 PMID: 25741868, with internal and published modifications).